The following is an entry in ClinVar:

NM_002292.4(LAMB2):c.1825G>C (p.Glu609Gln)

Gene: LAMB2 (laminin subunit beta 2; minus strand). Cytogenetic location: 3p21.31.
Variant type: single nucleotide variant.
Coding change: c.1825G>C on transcript NM_002292.4 (MANE Select); coding-DNA position 1825, G replaced by C.
Protein change: p.Glu609Gln; replaces glutamic acid 609 with glutamine.
Molecular consequence: missense variant.
Genome position (GRCh38, 1-based): chr3:49,128,726, C>G on the plus strand (G>C on the coding strand, the complement: LAMB2 is on the minus strand). VCF-style: chr3-49128726-C-G. GRCh37 (hg19) VCF-style: chr3-49166159-C-G.
Other names: short protein forms E609Q.
Identifiers: ClinVar variation 1044524 (VCV001044524.3), dbSNP rs888403715, ClinGen allele CA352732469.

ClinVar aggregate classification (germline): Uncertain significance. Review status: criteria provided, multiple submitters, no conflicts (2 of 4 stars). 2 submissions from 2 submitters: Uncertain significance (2). Last evaluated 2024-12-19.

Conditions:
Pierson syndrome. Also called: MICROCORIA-CONGENITAL NEPHROTIC SYNDROME. Identifiers: Orphanet 2670, MedGen C1836876, MONDO:0012184, OMIM 609049.
LAMB2-related infantile-onset nephrotic syndrome. Also called: Nephrotic Syndrome, type 5; NEPHROTIC SYNDROME, TYPE 5, WITHOUT OCULAR ABNORMALITIES; NEPHROTIC SYNDROME, TYPE 5, WITH OCULAR ABNORMALITIES. Identifiers: Orphanet 306507, MedGen C3280113, MONDO:0013621, OMIM 614199.

gnomAD v4.1: 2 of 1,614,152 alleles (0.00012%); highest among the groups gnomAD compares: Non-Finnish European, 0.00017%; no homozygotes.

Submissions (2):

Genomic Medicine Center of Excellence, King Faisal Specialist Hospital and Research Centre
Classification: Uncertain significance for Pierson syndrome. Last evaluated: 2024-12-19. Review status: criteria provided, single submitter. Criteria: ACMG Guidelines, 2015. Collection method: clinical testing. Allele origin: germline.

Labcorp Genetics (formerly Invitae), Labcorp
Classification: Uncertain significance for LAMB2-related infantile-onset nephrotic syndrome; Pierson syndrome. Last evaluated: 2021-08-31. Review status: criteria provided, single submitter. Criteria: Invitae Variant Classification Sherloc (09022015). Collection method: clinical testing. Allele origin: germline.
Comment: This sequence change replaces glutamic acid with glutamine at codon 609 of the LAMB2 protein (p.Glu609Gln). The glutamic acid residue is highly conserved and there is a small physicochemical difference between glutamic acid and glutamine. This variant is not present in population databases (ExAC no frequency). This variant has not been reported in the literature in individuals affected with LAMB2-related conditions. Algorithms developed to predict the effect of missense changes on protein structure and function are either unavailable or do not agree on the potential impact of this missense change (SIFT: "Deleterious"; PolyPhen-2: "Possibly Damaging"; Align-GVGD: "Class C0"). In summary, the available evidence is currently insufficient to determine the role of this variant in disease. Therefore, it has been classified as a Variant of Uncertain Significance.